The following is an entry in ClinVar:

ClinVar aggregate classification (germline): Uncertain significance (1 of 4 stars; one submission).

Conditions:
Long QT syndrome (LQTS). Identifiers: MedGen C0023976, MeSH D008133, MONDO:0002442. Disease mechanism: loss of function. Inheritance: Various modes of inheritance.

Submission:

Labcorp Genetics (formerly Invitae), Labcorp
Classification: Uncertain significance for Long QT syndrome. Last evaluated: 2024-10-10. Review status: criteria provided, single submitter. Criteria: Invitae Variant Classification Sherloc (09022015). Collection method: clinical testing. Allele origin: germline.
Comment: This sequence change replaces serine, which is neutral and polar, with phenylalanine, which is neutral and non-polar, at codon 74 of the CACNA1C protein (p.Ser74Phe). This variant is not present in population databases (gnomAD no frequency). This variant has not been reported in the literature in individuals affected with CACNA1C-related conditions. Invitae Evidence Modeling of protein sequence and biophysical properties (such as structural, functional, and spatial information, amino acid conservation, physicochemical variation, residue mobility, and thermodynamic stability) indicates that this missense variant is not expected to disrupt CACNA1C protein function with a negative predictive value of 95%. In summary, the available evidence is currently insufficient to determine the role of this variant in disease. Therefore, it has been classified as a Variant of Uncertain Significance.

NM_000719.7(CACNA1C):c.221C>T (p.Ser74Phe)

Gene: CACNA1C (calcium voltage-gated channel subunit alpha1 C; plus strand). Cytogenetic location: 12p13.33.
Variant type: single nucleotide variant.
Coding change: c.221C>T on transcript NM_000719.7 (MANE Select); coding-DNA position 221, C replaced by T.
Protein change: p.Ser74Phe; replaces serine 74 with phenylalanine.
Molecular consequence: missense variant.
Genome position (GRCh38, 1-based): chr12:2,115,395, C>T. VCF-style: chr12-2115395-C-T. GRCh37 (hg19) VCF-style: chr12-2224561-C-T.
Other names: c.221C>T, p.Ser74Phe (NM_001129827.2, NM_001129829.2, NM_001129830.3 and 19 more transcripts); short protein forms S74F.
Identifiers: ClinVar variation 3635027 (VCV003635027.2).